The following is an entry in ClinVar:

ClinVar aggregate classification (germline): Uncertain significance (1 of 4 stars; one submission).

Allele frequency attached by ClinVar (database versions not stated): 1000 Genomes Project 0.00020; 1000 Genomes Project 30x 0.00031.
gnomAD v4.1: 3 of 1,601,262 alleles (0.00019%); highest among the groups gnomAD compares: Admixed American, 0.0017%; no homozygotes.

Submission:

Labcorp Genetics (formerly Invitae), Labcorp
Classification: Uncertain significance. Last evaluated: 2023-12-26. Review status: criteria provided, single submitter. Criteria: Invitae Variant Classification Sherloc (09022015). Collection method: clinical testing. Allele origin: germline.
Comment: This sequence change replaces serine, which is neutral and polar, with threonine, which is neutral and polar, at codon 726 of the ANKZF1 protein (p.Ser726Thr). This variant is present in population databases (rs555231189, gnomAD 0.003%). This variant has not been reported in the literature in individuals affected with ANKZF1-related conditions. ClinVar contains an entry for this variant (Variation ID: 1434952). An algorithm developed to predict the effect of missense changes on protein structure and function (PolyPhen-2) suggests that this variant is likely to be tolerated. In summary, the available evidence is currently insufficient to determine the role of this variant in disease. Therefore, it has been classified as a Variant of Uncertain Significance.

NM_018089.3(ANKZF1):c.2176T>A (p.Ser726Thr)

Gene: ANKZF1 (ankyrin repeat and zinc finger peptidyl tRNA hydrolase 1; plus strand). Cytogenetic location: 2q35.
Variant type: single nucleotide variant.
Coding change: c.2176T>A on transcript NM_018089.3 (MANE Select); coding-DNA position 2176, T replaced by A.
Protein change: p.Ser726Thr; replaces serine 726 with threonine.
Molecular consequence: missense variant.
Genome position (GRCh38, 1-based): chr2:219,236,440, T>A. VCF-style: chr2-219236440-T-A. GRCh37 (hg19) VCF-style: chr2-220101162-T-A.
Other names: c.2176T>A, p.Ser726Thr (NM_001042410.2); c.1546T>A, p.Ser516Thr (NM_001282792.2); short protein forms S516T, S726T.
Identifiers: ClinVar variation 1434952 (VCV001434952.8), dbSNP rs555231189, ClinGen allele CA2121342.
Genomic context (GRCh38, chr2:219,236,440, plus strand): 5'-TTCTCTTTCTGCTCCACACGTTGCCTCCAGGATCATCGCCGTCAGGCAGGGAGGCCCTCT[T>A]CCTGATCTCTTACAGCTCTACCTGGGGCCAACTCAGGGACCTGAGAGGGCACATTCACAG-3'
Protein context (NP_060559.2, residues 716-726): DHRRQAGRPS[Ser726Thr]